The following is an entry in ClinVar:

NM_000525.4(KCNJ11):c.623G>C (p.Ser208Thr)

Gene: KCNJ11 (potassium inwardly rectifying channel subfamily J member 11; minus strand). Cytogenetic location: 11p15.1.
Variant type: single nucleotide variant.
Coding change: c.623G>C on transcript NM_000525.4 (MANE Select); coding-DNA position 623, G replaced by C.
Protein change: p.Ser208Thr; replaces serine 208 with threonine.
Molecular consequence: missense variant.
Genome position (GRCh38, 1-based): chr11:17,387,469, C>G on the plus strand (G>C on the coding strand, the complement: KCNJ11 is on the minus strand). VCF-style: chr11-17387469-C-G. GRCh37 (hg19) VCF-style: chr11-17409016-C-G.
Other names: c.362G>C, p.Ser121Thr (NM_001166290.2, NM_001377296.1, NM_001377297.1); short protein forms S121T, S208T.
Identifiers: ClinVar variation 5003830 (VCV005003830.1).
Genomic context (GRCh38, chr11:17,387,469, plus strand): 5'-CCCTCGGGGCTGGTGGTCTTGCGTACCACCTGCATGTGGATGGTGGCGCTGATGATCATG[C>G]TCTTGCGGAGGTCACCCACACGTAGCATGAAGCAGAGGCGGCCGTGGCGCAGGGCGATCA-3'
Protein context (NP_000516.3, residues 198-218): FMLRVGDLRK[Ser208Thr]MIISATIHMQ

ClinVar aggregate classification (germline): Uncertain significance (1 of 4 stars; one submission).

Conditions:
Hyperinsulinemic hypoglycemia, familial, 2. Also called: HYPERINSULINEMIC HYPOGLYCEMIA, PERSISTENT; HYPERINSULINISM, NEONATAL. Identifiers: Orphanet 276580, Orphanet 276603, MedGen C2931833, MONDO:0011153, OMIM 601820. Disease mechanism: loss of function.

Submission:

Myriad Genetics, Inc.
Classification: Uncertain significance for Hyperinsulinemic hypoglycemia, familial, 2. Last evaluated: 2026-09-08. Review status: criteria provided, single submitter. Criteria: Myriad Autosomal Dominant, Autosomal Recessive and X-Linked Classification Criteria (2023). Collection method: clinical testing. Allele origin: unknown.
Comment: NM_000525.3(KCNJ11):c.623G>C(S208T) is a missense variant classified as a variant of uncertain significance in the context of familial hyperinsulinism, KCNJ11-related. S208T has been observed in a case with relevant disease (PMID: 32027066). Relevant functional assessments of this variant are not available in the literature. S208T has not been observed in referenced population frequency databases. In summary, there is insufficient evidence to classify NM_000525.3(KCNJ11):c.623G>C(S208T) as pathogenic or benign. Please note: this variant was assessed in the context of healthy population screening.

Literature cited by the submitters: PubMed 32027066.